The following is an entry in ClinVar:

NM_000071.3(CBS):c.1468-1G>A

Gene: CBS (cystathionine beta-synthase; minus strand). Cytogenetic location: 21q22.3.
Variant type: single nucleotide variant.
Coding change: c.1468-1G>A on transcript NM_000071.3 (MANE Select); the canonical splice acceptor site of the intron before coding-DNA position 1468, G replaced by A.
Molecular consequence: splice acceptor variant.
Genome position (GRCh38, 1-based): chr21:43,056,888, C>T on the plus strand (G>A on the coding strand, the complement: CBS is on the minus strand). VCF-style: chr21-43056888-C-T. GRCh37 (hg19) VCF-style: chr21-44476998-C-T.
Other names: c.1153-1G>A (NM_001321072.1); c.1468-1G>A (NM_001320298.2, NM_001178009.3, NM_001178008.3).
Identifiers: ClinVar variation 370957 (VCV000370957.10), dbSNP rs1057516895, ClinGen allele CA16041995.

ClinVar aggregate classification (germline): Likely pathogenic. Review status: criteria provided, multiple submitters, no conflicts (2 of 4 stars). 3 submissions from 3 submitters: Likely pathogenic (2). 1 of the submissions does not count toward it. Last evaluated 2023-01-18.

Conditions:
Classic homocystinuria. Also called: Homocystinuria due to CBS deficiency; Cystathionine beta-synthase deficiency; CBS deficiency; HOMOCYSTINURIA WITH OR WITHOUT RESPONSE TO PYRIDOXINE; Homocystinuria due to Cystathionine Beta-Synthase Deficiency. Identifiers: Orphanet 394, MedGen C0751202, MONDO:0009352, OMIM 236200.
HYPERHOMOCYSTEINEMIA, THROMBOTIC, CBS-RELATED. Identifiers: MedGen C3150344, OMIM 236200.

Submissions (3):

Baylor Genetics
Classification: Likely pathogenic for Classic homocystinuria. Last evaluated: 2023-01-18. Review status: criteria provided, single submitter. Criteria: ACMG Guidelines, 2015. Collection method: clinical testing. Allele origin: unknown.

Labcorp Genetics (formerly Invitae), Labcorp
Classification: Likely pathogenic for HYPERHOMOCYSTEINEMIA, THROMBOTIC, CBS-RELATED. Last evaluated: 2021-06-28. Review status: criteria provided, single submitter. Criteria: Invitae Variant Classification Sherloc (09022015). Collection method: clinical testing. Allele origin: germline.
Comment: This sequence change affects an acceptor splice site in intron 15 of the CBS gene. It is expected to disrupt RNA splicing. Variants that disrupt the donor or acceptor splice site typically lead to a loss of protein function (PMID: 16199547), and loss-of-function variants in CBS are known to be pathogenic (PMID: 10338090, 12124992). This variant is not present in population databases (ExAC no frequency). This variant has not been reported in the literature in individuals affected with CBS-related conditions. ClinVar contains an entry for this variant (Variation ID: 370957). Algorithms developed to predict the effect of sequence changes on RNA splicing suggest that this variant may disrupt the consensus splice site. In summary, the currently available evidence indicates that the variant is pathogenic, but additional data are needed to prove that conclusively. Therefore, this variant has been classified as Likely Pathogenic.

Counsyl
Classification: Likely pathogenic for Classic homocystinuria. Last evaluated: 2016-05-23. Review status: no assertion criteria provided. Collection method: clinical testing. Allele origin: unknown. Not counted in ClinVar's aggregate classification.

Literature cited by the submitters: PubMed 16199547 (cited by Labcorp Genetics (formerly Invitae), Labcorp); PubMed 10338090 (cited by Labcorp Genetics (formerly Invitae), Labcorp); PubMed 12124992 (cited by Labcorp Genetics (formerly Invitae), Labcorp).